The following is an entry in ClinVar:

NM_000352.6(ABCC8):c.*93T>A

Gene: ABCC8 (ATP binding cassette subfamily C member 8; minus strand). Cytogenetic location: 11p15.1.
Variant type: single nucleotide variant.
Coding change: c.*93T>A on transcript NM_000352.6 (MANE Select); 93 bases downstream of the stop codon, T replaced by A.
Molecular consequence: 3 prime UTR variant. On other transcripts: non-coding transcript variant (1).
Genome position (GRCh38, 1-based): chr11:17,392,898, A>T on the plus strand (T>A on the coding strand, the complement: ABCC8 is on the minus strand). VCF-style: chr11-17392898-A-T. GRCh37 (hg19) VCF-style: chr11-17414445-A-T.
Other names: c.*93T>A (NM_001287174.3, NM_001351295.2, NM_001351296.2 and 1 more transcripts).
Identifiers: ClinVar variation 303746 (VCV000303746.6), dbSNP rs886048046, ClinGen allele CA10637947.

ClinVar aggregate classification (germline): Uncertain significance. Review status: criteria provided, multiple submitters, no conflicts (2 of 4 stars). 5 submissions from 2 submitters: Uncertain significance (5). Last evaluated 2018-01-13.

Conditions:
Transitory neonatal diabetes mellitus. Also called: Transient neonatal diabetes mellitus. Identifiers: MedGen C0342273, MONDO:0020525, HP:0008255.
Maturity-onset diabetes of the young (MODY). Also called: Maturity onset diabetes mellitus in young. Identifiers: Orphanet 552, MedGen C0342276, MONDO:0018911, HP:0004904.
Permanent neonatal diabetes mellitus (PNDM). Identifiers: Orphanet 99885, MedGen C1833104, MONDO:0100164, MONDO:0011643. Disease mechanism: gain of function.
Diabetes mellitus, transient neonatal, 2 (TNDM2). Identifiers: Orphanet 99886, MedGen C1835887, MONDO:0012480, OMIM 610374. Disease mechanism: loss of function.
Hyperinsulinemic hypoglycemia, familial, 1 (HHF1). Also called: Persistent hyperinsulinemic hypoglycemia of infancy; HYPERINSULINISM, FAMILIAL, WITH PANCREATIC NESIDIOBLASTOSIS; HYPOGLYCEMIA, HYPERINSULINEMIC, OF INFANCY; NESIDIOBLASTOSIS OF PANCREAS; Persistent Hyperinsulinemia Hypoglycemia of Infancy. Identifiers: Orphanet 276575, Orphanet 276598, MedGen C2931832, MONDO:0009734, OMIM 256450.

Allele frequency attached by ClinVar (database versions not stated): gnomAD below 0.00001 and 0.00001.
gnomAD v4.1: 18 of 1,461,776 alleles (0.0012%); highest among the groups gnomAD compares: South Asian, 0.017%; no homozygotes.

Submissions (5):

Illumina Laboratory Services, Illumina
Classification: Uncertain significance for Hyperinsulinemic hypoglycemia, familial, 1. Last evaluated: 2018-01-13. Review status: criteria provided, single submitter. Criteria: ICSL Variant Classification Criteria 13 December 2019. Collection method: clinical testing. Allele origin: germline.

Illumina Laboratory Services, Illumina
Classification: Uncertain significance for Permanent neonatal diabetes mellitus 1. Last evaluated: 2018-01-13. Review status: criteria provided, single submitter. Criteria: ICSL Variant Classification Criteria 13 December 2019. Collection method: clinical testing. Allele origin: germline.

Illumina Laboratory Services, Illumina
Classification: Uncertain significance for Diabetes mellitus, transient neonatal, 2. Last evaluated: 2018-01-13. Review status: criteria provided, single submitter. Criteria: ICSL Variant Classification Criteria 13 December 2019. Collection method: clinical testing. Allele origin: germline.

Clinical Genomics, Uppaluri K&H Personalized Medicine Clinic
Classification: Uncertain significance for Maturity-onset diabetes of the young. Review status: criteria provided, single submitter. Criteria: K & H Uppaluri Personalized Medicine Clinic Variant Classification & Assertion Criteria_Updated V.1. Collection method: research. Allele origin: somatic. Inheritance: Somatic mutation.
Comment: Mutations in ABCC8 gene are associated with both neonatal diabetes mellitus as well as MODY. Patients with this mutation may have a better response to sulfonylureas. However, no sufficient evidence is found to ascertain the role of this particular variant (rs886048046) in MODY yet.

Clinical Genomics, Uppaluri K&H Personalized Medicine Clinic
Classification: Uncertain significance for Transitory neonatal diabetes mellitus. Review status: criteria provided, single submitter. Criteria: K & H Uppaluri Personalized Medicine Clinic Variant Classification & Assertion Criteria_Updated V.1. Collection method: research. Allele origin: somatic. Inheritance: Somatic mutation.
Comment: Mutations in ABCC8 gene are associated with both neonatal diabetes mellitus as well as MODY. Patients with this mutation may have a better response to sulfonylureas. However, no sufficient evidence is found to ascertain the role of this particular variant (rs886048046 ) in neonatal diabetes yet.

Literature cited by the submitters: PubMed 16885549 (cited by Clinical Genomics, Uppaluri K&H Personalized Medicine Clinic); PubMed 21989597 (cited by Clinical Genomics, Uppaluri K&H Personalized Medicine Clinic); PubMed 27538677 (cited by Clinical Genomics, Uppaluri K&H Personalized Medicine Clinic); PubMed 18981553 (cited by Clinical Genomics, Uppaluri K&H Personalized Medicine Clinic); PubMed 32027066 (cited by Clinical Genomics, Uppaluri K&H Personalized Medicine Clinic); PubMed 16613899 (cited by Clinical Genomics, Uppaluri K&H Personalized Medicine Clinic); PubMed 18025408 (cited by Clinical Genomics, Uppaluri K&H Personalized Medicine Clinic); PubMed 32792356 (cited by Clinical Genomics, Uppaluri K&H Personalized Medicine Clinic).